The following is an entry in ClinVar:

ClinVar aggregate classification (germline): Likely benign. Review status: criteria provided, multiple submitters, no conflicts (2 of 4 stars). 2 submissions from 2 submitters: Likely benign (2). Last evaluated 2025-12-01.

Allele frequency attached by ClinVar (database versions not stated): gnomAD 0.00001; ExAC 0.00002.
gnomAD v4.1: 34 of 1,614,094 alleles (0.0021%); highest among the groups gnomAD compares: Middle Eastern, 0.016%; no homozygotes.

Submissions (2):

CeGaT Center for Human Genetics Tuebingen
Classification: Likely benign. Last evaluated: 2025-12-01. Review status: criteria provided, single submitter. Criteria: CeGaT Center For Human Genetics Tuebingen Variant Classification Criteria Version 2. Collection method: clinical testing. Allele origin: germline. Affected: yes. Observed: 1 variant allele.
Comment: EXTL3: BP4, BP7

Labcorp Genetics (formerly Invitae), Labcorp
Classification: Likely benign. Last evaluated: 2024-01-02. Review status: criteria provided, single submitter. Criteria: Invitae Variant Classification Sherloc (09022015). Collection method: clinical testing. Allele origin: germline.

NM_001440.4(EXTL3):c.1107C>T (p.Gly369=)

Gene: EXTL3 (exostosin like glycosyltransferase 3; plus strand). Cytogenetic location: 8p21.1.
Variant type: single nucleotide variant.
Coding change: c.1107C>T on transcript NM_001440.4 (MANE Select); coding-DNA position 1107, C replaced by T.
Protein change: p.Gly369=; no amino-acid change (glycine 369 retained).
Molecular consequence: synonymous variant.
Genome position (GRCh38, 1-based): chr8:28,717,166, C>T. VCF-style: chr8-28717166-C-T. GRCh37 (hg19) VCF-style: chr8-28574683-C-T.
Identifiers: ClinVar variation 1901827 (VCV001901827.10), dbSNP rs772500649, ClinGen allele CA4696142.